The following is an entry in ClinVar:

NM_000217.3(KCNA1):c.946G>C (p.Gly316Arg)

Gene: KCNA1 (potassium voltage-gated channel subfamily A member 1; plus strand). Cytogenetic location: 12p13.32.
Variant type: single nucleotide variant.
Coding change: c.946G>C on transcript NM_000217.3 (MANE Select); coding-DNA position 946, G replaced by C.
Protein change: p.Gly316Arg; replaces glycine 316 with arginine.
Molecular consequence: missense variant.
Genome position (GRCh38, 1-based): chr12:4,912,324, G>C. VCF-style: chr12-4912324-G-C. GRCh37 (hg19) VCF-style: chr12-5021490-G-C.
Other names: short protein forms G316R.
Identifiers: ClinVar variation 3900416 (VCV003900416.1).
Genomic context (GRCh38, chr12:4,912,324, plus strand): 5'-TTGGTAAGGGTTTTTAGAATCTTCAAGCTCTCCCGCCACTCTAAGGGCCTCCAGATCCTG[G>C]GCCAGACCCTCAAAGCTAGTATGAGAGAGCTAGGGCTGCTCATCTTTTTCCTCTTCATCG-3'
Protein context (NP_000208.2, residues 306-326): SRHSKGLQIL[Gly316Arg]QTLKASMREL

ClinVar aggregate classification (germline): Uncertain significance (1 of 4 stars; one submission).

Submission:

GeneDx
Classification: Uncertain significance. Last evaluated: 2024-11-18. Review status: criteria provided, single submitter. Criteria: GeneDx Variant Classification Process June 2021. Collection method: clinical testing. Allele origin: germline. Affected: yes.
Comment: Not observed at significant frequency in large population cohorts (gnomAD); In silico analysis supports that this missense variant has a deleterious effect on protein structure/function; Has not been previously published as pathogenic or benign to our knowledge